The following is an entry in ClinVar:

ClinVar aggregate classification (germline): Uncertain significance. Review status: criteria provided, multiple submitters, no conflicts (2 of 4 stars). 3 submissions from 3 submitters: Uncertain significance (3). Last evaluated 2024-12-18.

Conditions:
Cardiovascular phenotype. Identifiers: MedGen CN230736.
Myofibrillar myopathy 4. Also called: Zaspopathy (type). Identifiers: Orphanet 98912, MedGen C4721886, MONDO:0012277, OMIM 609452.

Allele frequency attached by ClinVar (database versions not stated): gnomAD exomes below 0.00001; TOPMed below 0.00001; ExAC 0.00001; gnomAD 0.00001; ESP Exome Variant Server 0.00008.
gnomAD v4.1: 3 of 1,609,492 alleles (0.00019%); highest among the groups gnomAD compares: African/African-American, 0.0027%; no homozygotes.

Submissions (3):

Labcorp Genetics (formerly Invitae), Labcorp
Classification: Uncertain significance for Myofibrillar myopathy 4. Last evaluated: 2024-12-18. Review status: criteria provided, single submitter. Criteria: Invitae Variant Classification Sherloc (09022015). Collection method: clinical testing. Allele origin: germline.
Comment: The LDB3 gene has multiple clinically relevant transcripts. This variant occurs in alternate transcript NM_007078.3, and corresponds to NM_001080116.1:c.*16995G>A in the primary transcript. This sequence change replaces serine, which is neutral and polar, with asparagine, which is neutral and polar, at codon 425 of the LDB3 protein (p.Ser425Asn). This variant is present in population databases (rs370073528, gnomAD 0.007%). This variant has not been reported in the literature in individuals affected with LDB3-related conditions. Experimental studies and prediction algorithms are not available or were not evaluated, and the functional significance of this variant is currently unknown. In summary, the available evidence is currently insufficient to determine the role of this variant in disease. Therefore, it has been classified as a Variant of Uncertain Significance.

GeneDx
Classification: Uncertain significance. Last evaluated: 2023-03-06. Review status: criteria provided, single submitter. Criteria: GeneDx Variant Classification Process June 2021. Collection method: clinical testing. Allele origin: germline. Affected: yes.
Comment: Not observed at significant frequency in large population cohorts (gnomAD); In silico analysis supports that this missense variant does not alter protein structure/function; Has not been previously published as pathogenic or benign to our knowledge; Reported using an alternate transcript of the gene

Ambry Genetics
Classification: Uncertain significance for Cardiovascular phenotype. Last evaluated: 2022-04-29. Review status: criteria provided, single submitter. Criteria: Ambry Variant Classification Scheme 2023. Collection method: clinical testing. Allele origin: germline.
Comment: The p.S425N variant (also known as c.1274G>A), located in coding exon 9 of the LDB3 gene, results from a G to A substitution at nucleotide position 1274. The serine at codon 425 is replaced by asparagine, an amino acid with highly similar properties. This amino acid position is highly conserved in available vertebrate species. In addition, this alteration is predicted to be tolerated by in silico analysis. Since supporting evidence is limited at this time, the clinical significance of this alteration remains unclear.

NM_007078.3(LDB3):c.1274G>A (p.Ser425Asn)

Gene: LDB3 (LIM domain binding 3; plus strand). Cytogenetic location: 10q23.2.
Variant type: single nucleotide variant.
Coding change: c.1274G>A on transcript NM_007078.3 (MANE Select); coding-DNA position 1274, G replaced by A.
Protein change: p.Ser425Asn; replaces serine 425 with asparagine.
Molecular consequence: missense variant.
Genome position (GRCh38, 1-based): chr10:86,716,369, G>A. VCF-style: chr10-86716369-G-A. GRCh37 (hg19) VCF-style: chr10-88476126-G-A.
Other names: c.944G>A, p.Ser315Asn (NM_001080114.2); c.1289G>A, p.Ser430Asn (NM_001171610.2); c.1085G>A, p.Ser362Asn (NM_001368064.1, NM_001368065.1); c.1133G>A, p.Ser378Asn (NM_001368066.1); short protein forms S362N, S425N, S315N, S378N, S430N.
Identifiers: ClinVar variation 1766222 (VCV001766222.5), dbSNP rs370073528, ClinGen allele CA5585110.